The following is an entry in ClinVar:

ClinVar aggregate classification (germline): Likely benign. Review status: criteria provided, single submitter (1 of 4 stars). 2 submissions from 2 submitters: Likely benign (1). 1 of the submissions does not count toward it. Last evaluated 2023-10-09.

Conditions:
ZNF341-related disorder. Also called: ZNF341-related condition.

Allele frequency attached by ClinVar (database versions not stated): gnomAD exomes 0.00001; ExAC 0.00004; gnomAD 0.00007; ESP Exome Variant Server 0.00008; TOPMed 0.00008.
gnomAD v4.1: 22 of 1,495,656 alleles (0.0015%); highest among the groups gnomAD compares: Middle Eastern, 0.018%; no homozygotes.

Submissions (2):

Labcorp Genetics (formerly Invitae), Labcorp
Classification: Likely benign. Last evaluated: 2023-10-09. Review status: criteria provided, single submitter. Criteria: Invitae Variant Classification Sherloc (09022015). Collection method: clinical testing. Allele origin: germline.

PreventionGenetics, part of Exact Sciences
Classification: Likely benign for ZNF341-related condition. Last evaluated: 2019-07-15. Review status: no assertion criteria provided. Collection method: clinical testing. Allele origin: germline. Not counted in ClinVar's aggregate classification.
Comment: This variant is classified as likely benign based on ACMG/AMP sequence variant interpretation guidelines (Richards et al. 2015 PMID: 25741868, with internal and published modifications).

NM_001282933.2(ZNF341):c.933G>A (p.Pro311=)

Gene: ZNF341 (zinc finger protein 341; plus strand). Cytogenetic location: 20q11.22.
Variant type: single nucleotide variant.
Coding change: c.933G>A on transcript NM_001282933.2 (MANE Select); coding-DNA position 933, G replaced by A.
Protein change: p.Pro311=; no amino-acid change (proline 311 retained).
Molecular consequence: synonymous variant. On other transcripts: non-coding transcript variant (1), intron variant (1).
Genome position (GRCh38, 1-based): chr20:33,757,339, G>A. VCF-style: chr20-33757339-G-A. GRCh37 (hg19) VCF-style: chr20-32345145-G-A.
Other names: c.663G>A, p.Pro221= (NM_001282935.2); c.916+17G>A (NM_032819.5); c.933G>A (NM_001282933.1).
Identifiers: ClinVar variation 1986431 (VCV001986431.6), dbSNP rs368038736, ClinGen allele CA9819311.